The following is an entry in ClinVar:

NM_016734.3(PAX5):c.445C>T (p.Gln149Ter)

Genes: PAX5 (paired box 5; minus strand), LOC105376032 (uncharacterized LOC105376032; plus strand). Cytogenetic location: 9p13.2.
Variant type: single nucleotide variant.
Coding change: c.445C>T on transcript NM_016734.3 (MANE Select); coding-DNA position 445, C replaced by T.
Protein change: p.Gln149Ter; replaces glutamine 149 with a stop codon.
Molecular consequence: nonsense. On other transcripts: non-coding transcript variant (2).
Genome position (GRCh38, 1-based): chr9:37,006,503, G>A on the plus strand (C>T on the coding strand, the complement: PAX5 is on the minus strand). VCF-style: chr9-37006503-G-A. GRCh37 (hg19) VCF-style: chr9-37006500-G-A.
Other names: c.445C>T, p.Gln149Ter (NM_001280547.2, NM_001280548.2, NM_001280549.2 and 4 more transcripts); c.121C>T, p.Gln41Ter (NM_001280551.2, NM_001280556.2); c.247C>T, p.Gln83Ter (NM_001280555.2); short protein forms Q83*, Q41*, Q149*.
Identifiers: ClinVar variation 4131446 (VCV004131446.1).

ClinVar aggregate classification (germline): Pathogenic (1 of 4 stars; one submission).

Conditions:
Inborn genetic diseases. Identifiers: MedGen C0950123, MeSH D030342.

Submission:

Ambry Genetics
Classification: Pathogenic for Inborn genetic diseases. Last evaluated: 2025-08-11. Review status: criteria provided, single submitter. Criteria: Ambry Variant Classification Scheme 2023. Collection method: clinical testing. Allele origin: germline.
Comment: The c.445C>T (p.Q149*) alteration, located in exon 4 (coding exon 4) of the PAX5 gene, consists of a C to T substitution at nucleotide position 445. This changes the amino acid from a glutamine (Q) to a stop codon at amino acid position 149. This alteration is expected to result in loss of function by premature protein truncation or nonsense-mediated mRNA decay. for PAX5-related neurodevelopmental disorder; however, its clinical significance for PAX5-related acute lymphoblastic leukemia is uncertain. This variant was not reported in population-based cohorts in the Genome Aggregation Database (gnomAD). Based on the available evidence, this alteration is classified as pathogenic.